The following is an entry in ClinVar:

ClinVar aggregate classification (germline): Uncertain significance. Review status: criteria provided, multiple submitters, no conflicts (2 of 4 stars). 2 submissions from 2 submitters: Uncertain significance (2). Last evaluated 2025-01-10.

Allele frequency attached by ClinVar (database versions not stated): ExAC 0.00001; gnomAD 0.00002; TOPMed 0.00002.
gnomAD v4.1: 19 of 1,611,400 alleles (0.0012%); highest among the groups gnomAD compares: Non-Finnish European, 0.0016%; no homozygotes.

Submissions (2):

Ambry Genetics
Classification: Uncertain significance. Last evaluated: 2025-01-10. Review status: criteria provided, single submitter. Criteria: Ambry Variant Classification Scheme 2023. Collection method: clinical testing. Allele origin: germline.
Comment: The p.A119T variant (also known as c.355G>A), located in coding exon 2 of the ATRIP gene, results from a G to A substitution at nucleotide position 355. The alanine at codon 119 is replaced by threonine, an amino acid with similar properties. This amino acid position is conserved. In addition, this alteration is predicted to be tolerated by in silico analysis. Based on the available evidence, the clinical significance of this variant remains unclear.

Labcorp Genetics (formerly Invitae), Labcorp
Classification: Uncertain significance. Last evaluated: 2024-01-22. Review status: criteria provided, single submitter. Criteria: Invitae Variant Classification Sherloc (09022015). Collection method: clinical testing. Allele origin: germline.
Comment: This sequence change replaces alanine, which is neutral and non-polar, with threonine, which is neutral and polar, at codon 119 of the ATRIP protein (p.Ala119Thr). This variant is present in population databases (rs746308489, gnomAD 0.002%). This variant has not been reported in the literature in individuals affected with ATRIP-related conditions. ClinVar contains an entry for this variant (Variation ID: 2208636). Algorithms developed to predict the effect of missense changes on protein structure and function output the following: SIFT: "Not Available"; PolyPhen-2: "Benign"; Align-GVGD: "Not Available". The threonine amino acid residue is found in multiple mammalian species, which suggests that this missense change does not adversely affect protein function. In summary, the available evidence is currently insufficient to determine the role of this variant in disease. Therefore, it has been classified as a Variant of Uncertain Significance.

NM_130384.3(ATRIP):c.355G>A (p.Ala119Thr)

Genes: ATRIP (ATR interacting protein; plus strand), ATRIP-TREX1 (ATRIP-TREX1 readthrough; plus strand). Cytogenetic location: 3p21.31.
Variant type: single nucleotide variant.
Coding change: c.355G>A on transcript NM_130384.3 (MANE Select); coding-DNA position 355, G replaced by A.
Protein change: p.Ala119Thr; replaces alanine 119 with threonine.
Molecular consequence: missense variant. On other transcripts: non-coding transcript variant (1), 5 prime UTR variant (1).
Genome position (GRCh38, 1-based): chr3:48,450,144, G>A. VCF-style: chr3-48450144-G-A. GRCh37 (hg19) VCF-style: chr3-48491550-G-A.
Other names: c.-110G>A (NM_001271022.2); c.76G>A, p.Ala26Thr (NM_001271023.2); c.355G>A, p.Ala119Thr (NM_032166.4); short protein forms A119T, A26T.
Identifiers: ClinVar variation 2208636 (VCV002208636.6), dbSNP rs746308489, ClinGen allele CA2375946.